The following is an entry in ClinVar:

ClinVar aggregate classification (germline): Uncertain significance. Review status: criteria provided, multiple submitters, no conflicts (2 of 4 stars). 5 submissions from 5 submitters: Uncertain significance (5). Last evaluated 2024-09-30.

Conditions:
Colorectal cancer. Also called: Colorectal cancer, somatic; Malignant Colorectal Neoplasm. Identifiers: MedGen C0346629, MONDO:0005575, OMIM 114500.
Hereditary cancer-predisposing syndrome. Also called: Hereditary Cancer Syndrome; Hereditary neoplastic syndrome; Neoplastic Syndromes, Hereditary; Tumor predisposition. Identifiers: Orphanet 140162, MedGen C0027672, MeSH D009386, MONDO:0015356.
Oligodontia-cancer predisposition syndrome. Also called: TOOTH AGENESIS-COLORECTAL CANCER SYNDROME. Identifiers: Orphanet 300576, MedGen C1837750, MONDO:0012075, OMIM 608615. Disease mechanism: loss of function.

Allele frequency attached by ClinVar (database versions not stated): ExAC 0.00001; gnomAD 0.00001; gnomAD exomes 0.00001 and 0.00002; TOPMed 0.00001.
gnomAD v4.1: 29 of 1,613,000 alleles (0.0018%); highest among the groups gnomAD compares: Non-Finnish European, 0.0023%; no homozygotes.

Submissions (5):

Labcorp Genetics (formerly Invitae), Labcorp
Classification: Uncertain significance for Oligodontia-cancer predisposition syndrome. Last evaluated: 2024-09-30. Review status: criteria provided, single submitter. Criteria: Invitae Variant Classification Sherloc (09022015). Collection method: clinical testing. Allele origin: germline.
Comment: This sequence change replaces serine, which is neutral and polar, with glycine, which is neutral and non-polar, at codon 636 of the AXIN2 protein (p.Ser636Gly). This variant is present in population databases (rs745616808, gnomAD 0.003%). This variant has not been reported in the literature in individuals affected with AXIN2-related conditions. ClinVar contains an entry for this variant (Variation ID: 408815). An algorithm developed to predict the effect of missense changes on protein structure and function (PolyPhen-2) suggests that this variant¬†is likely to be tolerated. This missense change is associated with skipping of exon 7 (internal data). However, the skipping of exon 7 has been described as a tissue-specific functional isoform (also known as exon 6, PMID: 15735151). For this reason the clinical significance of this missense variant is currently uncertain. In summary, the available evidence is currently insufficient to determine the role of this variant in disease. Therefore, it has been classified as a Variant of Uncertain Significance.

Ambry Genetics
Classification: Uncertain significance for Hereditary cancer-predisposing syndrome. Last evaluated: 2024-09-05. Review status: criteria provided, single submitter. Criteria: Ambry Variant Classification Scheme 2023. Collection method: clinical testing. Allele origin: germline.
Comment: The p.S636G variant (also known as c.1906A>G), located in coding exon 6 of the AXIN2 gene, results from an A to G substitution at nucleotide position 1906. The serine at codon 636 is replaced by glycine, an amino acid with similar properties. This alteration was identified in 1/1358 non-cancer control individuals and in 0/57 cases, in a study looking at cancer predisposition mutations in patients with cutaneous melanoma and a history of at least two additional non-cutaneous melanoma primary cancers (Pritchard AL et al. PLoS One, 2018 Apr;13:e0194098). This amino acid position is well conserved in available vertebrate species. In addition, the in silico prediction for this alteration is inconclusive. Since supporting evidence is limited at this time, the clinical significance of this alteration remains unclear.

Quest Diagnostics Nichols Institute San Juan Capistrano
Classification: Uncertain significance. Last evaluated: 2024-06-18. Review status: criteria provided, single submitter. Criteria: Quest Diagnostics criteria. Collection method: clinical testing. Allele origin: unknown.
Comment: The AXIN2 c.1906A>G (p.Ser636Gly) variant has been identified in the published literature in a reportedly healthy individual (PMID: 29641532 (2018)). The frequency of this variant in the general population, 0.000008 (2/250780 chromosomes (Genome Aggregation Database)), is uninformative in the assessment of its pathogenicity. Analysis of this variant using bioinformatics tools for the prediction of the effect of amino acid changes on protein structure and function yielded conflicting predictions that this variant is deleterious or benign. Based on the available information, we are unable to determine the clinical significance of this variant.

Baylor Genetics
Classification: Uncertain significance for Colorectal cancer. Last evaluated: 2023-09-21. Review status: criteria provided, single submitter. Criteria: ACMG Guidelines, 2015. Collection method: clinical testing. Allele origin: unknown.

GeneDx
Classification: Uncertain significance. Last evaluated: 2022-06-27. Review status: criteria provided, single submitter. Criteria: GeneDx Variant Classification Process June 2021. Collection method: clinical testing. Allele origin: germline. Affected: yes.
Comment: Not observed at significant frequency in large population cohorts (gnomAD); In silico analysis supports that this missense variant does not alter protein structure/function; Has not been previously published as pathogenic or benign to our knowledge

Literature cited by the submitters: PubMed 29641532 (cited by Ambry Genetics and Quest Diagnostics Nichols Institute San Juan Capistrano).

NM_004655.4(AXIN2):c.1906A>G (p.Ser636Gly)

Gene: AXIN2 (axin 2; minus strand). Cytogenetic location: 17q24.1.
Variant type: single nucleotide variant.
Coding change: c.1906A>G on transcript NM_004655.4 (MANE Select); coding-DNA position 1906, A replaced by G.
Protein change: p.Ser636Gly; replaces serine 636 with glycine.
Molecular consequence: missense variant. On other transcripts: intron variant (1).
Genome position (GRCh38, 1-based): chr17:65,536,870, T>C on the plus strand (A>G on the coding strand, the complement: AXIN2 is on the minus strand). VCF-style: chr17-65536870-T-C. GRCh37 (hg19) VCF-style: chr17-63532988-T-C.
Other names: c.1906A>G (LRG_296t1); c.1713-317A>G (NM_001363813.1); short protein forms S636G.
Identifiers: ClinVar variation 408815 (VCV000408815.13), dbSNP rs745616808, ClinGen allele CA8718495.
Genomic context (GRCh38, chr17:65,536,870, plus strand): 5'-TACCTCCGTACTGAGTGCCCATGACCCTCGCGGCCGCGGCGGCGGCAAGCGGTGTTTACC[T>C]ATGGGGCTTGGGCTTGCTCTGCCGCTCACTCTCCAGCATCCACTGCCAGACATCCTGCGA-3'
Protein context (NP_004646.3, residues 626-646): SERQSKPKPH[Ser636Gly]AQSTKKAYPL